The following is an entry in ClinVar:

ClinVar aggregate classification (germline): Uncertain significance (1 of 4 stars; one submission).

Allele frequency attached by ClinVar (database versions not stated): gnomAD exomes below 0.00001; TOPMed 0.00001; gnomAD 0.00002.
gnomAD v4.1: 4 of 1,614,020 alleles (0.00025%); highest among the groups gnomAD compares: African/African-American, 0.0053%; no homozygotes.

Submission:

Labcorp Genetics (formerly Invitae), Labcorp
Classification: Uncertain significance. Last evaluated: 2023-12-22. Review status: criteria provided, single submitter. Criteria: Invitae Variant Classification Sherloc (09022015). Collection method: clinical testing. Allele origin: germline.
Comment: This sequence change replaces lysine, which is basic and polar, with asparagine, which is neutral and polar, at codon 243 of the NEUROD1 protein (p.Lys243Asn). This variant is present in population databases (no rsID available, gnomAD 0.01%). This variant has not been reported in the literature in individuals affected with NEUROD1-related conditions. ClinVar contains an entry for this variant (Variation ID: 1911915). Advanced modeling of protein sequence and biophysical properties (such as structural, functional, and spatial information, amino acid conservation, physicochemical variation, residue mobility, and thermodynamic stability) performed at Invitae indicates that this missense variant is not expected to disrupt NEUROD1 protein function with a negative predictive value of 80%. In summary, the available evidence is currently insufficient to determine the role of this variant in disease. Therefore, it has been classified as a Variant of Uncertain Significance.

NM_002500.5(NEUROD1):c.729G>C (p.Lys243Asn)

Gene: NEUROD1 (neuronal differentiation 1; minus strand). Cytogenetic location: 2q31.3.
Variant type: single nucleotide variant.
Coding change: c.729G>C on transcript NM_002500.5 (MANE Select); coding-DNA position 729, G replaced by C.
Protein change: p.Lys243Asn; replaces lysine 243 with asparagine.
Molecular consequence: missense variant.
Genome position (GRCh38, 1-based): chr2:181,678,132, C>G on the plus strand (G>C on the coding strand, the complement: NEUROD1 is on the minus strand). VCF-style: chr2-181678132-C-G. GRCh37 (hg19) VCF-style: chr2-182542859-C-G.
Other names: short protein forms K243N.
Identifiers: ClinVar variation 1911915 (VCV001911915.5), dbSNP rs1236932661, ClinGen allele CA349783160.
Genomic context (GRCh38, chr2:181,678,132, plus strand): 5'-ATCAGTCAGAGGGCTTTCAAAGAAGGGCTCCAGCGCTGCGCTGTAGGCGTGCGGCGGAGG[C>G]TTAACGTGGAAGACATGGGAGCTGTCCATGGTACCGTAAGGCGGACTGGGCAGCCCAGGC-3'
Protein context (NP_002491.3, residues 233-253): TMDSSHVFHV[Lys243Asn]PPPHAYSAAL